The following is an entry in ClinVar:

ClinVar aggregate classification (germline): Uncertain significance (1 of 4 stars; one submission).

Submission:

Ambry Genetics
Classification: Uncertain significance. Last evaluated: 2025-03-20. Review status: criteria provided, single submitter. Criteria: Ambry Variant Classification Scheme 2023. Collection method: clinical testing. Allele origin: germline.
Comment: The p.S606C variant (also known as c.1816A>T), located in coding exon 7 of the WNK2 gene, results from an A to T substitution at nucleotide position 1816. The serine at codon 606 is replaced by cysteine, an amino acid with dissimilar properties. This amino acid position is conserved. In addition, the in silico prediction for this alteration is inconclusive. Based on the available evidence, the clinical significance of this variant remains unclear.

NM_006648.4(WNK2):c.1816A>T (p.Ser606Cys)

Gene: WNK2 (WNK lysine deficient protein kinase 2; plus strand). Cytogenetic location: 9q22.31.
Variant type: single nucleotide variant.
Coding change: c.1816A>T on transcript NM_006648.4 (MANE Select); coding-DNA position 1816, A replaced by T.
Protein change: p.Ser606Cys; replaces serine 606 with cysteine.
Molecular consequence: missense variant.
Genome position (GRCh38, 1-based): chr9:93,247,816, A>T. VCF-style: chr9-93247816-A-T. GRCh37 (hg19) VCF-style: chr9-96010098-A-T.
Other names: c.1816A>T, p.Ser606Cys (NM_001282394.3); short protein forms S606C.
Identifiers: ClinVar variation 3981687 (VCV003981687.1).